The following is an entry in ClinVar:

GRCh37/hg19 6q23.3(chr6:135715893-135732702)

Gene: AHI1 (Abelson helper integration site 1; minus strand). Cytogenetic location: 6q23.3.
Variant type: copy number loss.
Identifiers: ClinVar variation 1179159 (VCV001179159.2).

ClinVar aggregate classification (germline): Likely pathogenic (0 of 4 stars; one submission).

Conditions:
Joubert syndrome 3 (JBTS3). Also called: AHI1-related Ciliopathy. Identifiers: Orphanet 220493, MedGen C1837713, MONDO:0012078, OMIM 608629.

Submission:

Fulgent Genetics
Classification: Likely pathogenic for Joubert syndrome 3. Review status: no assertion criteria provided. Collection method: clinical testing. Allele origin: unknown.
Comment: This variant has been detected in individual(s) who were sent for testing of Renasight - kidney gene panel.